The following is an entry in ClinVar:

ClinVar aggregate classification (germline): Likely benign. Review status: criteria provided, multiple submitters, no conflicts (2 of 4 stars). 2 submissions from 2 submitters: Likely benign (2). Last evaluated 2026-04-24.

Conditions:
MOCOS-related disorder. Also called: MOCOS-related condition.
Xanthinuria type II. Also called: Xanthine dehydrogenase and aldehyde oxidase combined deficiency of; XDH and AOX dual deficiency. Identifiers: Orphanet 3467, Orphanet 93602, MedGen C1863688, MONDO:0011346, OMIM 603592.

Allele frequency attached by ClinVar (database versions not stated): ExAC 0.00001; gnomAD 0.00003; TOPMed 0.00005.
gnomAD v4.1: 128 of 1,614,076 alleles (0.0079%); highest among the groups gnomAD compares: Non-Finnish European, 0.011%; no homozygotes.

Submissions (2):

PreventionGenetics, part of Exact Sciences
Classification: Likely benign for MOCOS-related condition. Last evaluated: 2026-04-24. Review status: criteria provided, single submitter. Criteria: ACMG Guidelines, 2015. Collection method: clinical testing. Allele origin: germline.
Comment: This variant is classified as likely benign based on ACMG/AMP sequence variant interpretation guidelines (Richards et al. 2015 PMID: 25741868, with internal and published modifications).

Labcorp Genetics (formerly Invitae), Labcorp
Classification: Likely benign for Xanthinuria type II. Last evaluated: 2024-12-02. Review status: criteria provided, single submitter. Criteria: Invitae Variant Classification Sherloc (09022015). Collection method: clinical testing. Allele origin: germline.

NM_017947.4(MOCOS):c.567C>T (p.Asn189=)

Gene: MOCOS (molybdenum cofactor sulfurase; plus strand). Cytogenetic location: 18q12.2.
Variant type: single nucleotide variant.
Coding change: c.567C>T on transcript NM_017947.4 (MANE Select); coding-DNA position 567, C replaced by T.
Protein change: p.Asn189=; no amino-acid change (asparagine 189 retained).
Molecular consequence: synonymous variant.
Genome position (GRCh38, 1-based): chr18:36,199,950, C>T. VCF-style: chr18-36199950-C-T. GRCh37 (hg19) VCF-style: chr18-33779913-C-T.
Other names: c.567C>T (NM_017947.2).
Identifiers: ClinVar variation 2726226 (VCV002726226.4), dbSNP rs769736956, ClinGen allele CA8940461.